The following is an entry in ClinVar:

NM_001135649.3(FOXI3):c.479G>A (p.Ser160Asn)

Gene: FOXI3 (forkhead box I3; minus strand). Cytogenetic location: 2p11.2.
Variant type: single nucleotide variant.
Coding change: c.479G>A on transcript NM_001135649.3 (MANE Select); coding-DNA position 479, G replaced by A.
Protein change: p.Ser160Asn; replaces serine 160 with asparagine.
Molecular consequence: missense variant.
Genome position (GRCh38, 1-based): chr2:88,452,057, C>T on the plus strand (G>A on the coding strand, the complement: FOXI3 is on the minus strand). VCF-style: chr2-88452057-C-T. GRCh37 (hg19) VCF-style: chr2-88751576-C-T.
Other names: short protein forms S160N.
Identifiers: ClinVar variation 3725585 (VCV003725585.2).
Genomic context (GRCh38, chr2:88,452,057, plus strand): 5'-GGGAAGCTATCGGCGACGAACTGGTAGATGTGGCTGAGAGTGAGTTTGCGCTCGGGCGCG[C>T]TCTGAATGGCCATGGCGATGAGCGCCGAATACGAGTAGGGCGGCCGCACCATCTTCATCA-3'
Protein context (NP_001129121.1, residues 150-170): YSALIAMAIQ[Ser160Asn]APERKLTLSH

ClinVar aggregate classification (germline): Uncertain significance (1 of 4 stars; one submission).

Submission:

Labcorp Genetics (formerly Invitae), Labcorp
Classification: Uncertain significance. Last evaluated: 2024-11-19. Review status: criteria provided, single submitter. Criteria: Invitae Variant Classification Sherloc (09022015). Collection method: clinical testing. Allele origin: germline.
Comment: This sequence change replaces serine, which is neutral and polar, with asparagine, which is neutral and polar, at codon 160 of the FOXI3 protein (p.Ser160Asn). This variant is not present in population databases (gnomAD no frequency). This variant has not been reported in the literature in individuals affected with FOXI3-related conditions. An algorithm developed to predict the effect of missense changes on protein structure and function outputs the following: PolyPhen-2: "Not Available". The asparagine amino acid residue is found in multiple mammalian species, which suggests that this missense change does not adversely affect protein function. In summary, the available evidence is currently insufficient to determine the role of this variant in disease. Therefore, it has been classified as a Variant of Uncertain Significance.